The following is an entry in ClinVar:

ClinVar aggregate classification (germline): Pathogenic. Review status: criteria provided, multiple submitters, no conflicts (2 of 4 stars). 3 submissions from 3 submitters: Pathogenic (2). 1 of the submissions does not count toward it. Last evaluated 2023-01-17.

Conditions:
Ornithine aminotransferase deficiency (GACR). Also called: HYPERORNITHINEMIA WITH GYRATE ATROPHY OF CHOROID AND RETINA; OAT DEFICIENCY; OKT DEFICIENCY; Ornithine ketoacid aminotransferase deficiency; Gyrate atrophy; Gyrate atrophy of choroid and retina. Identifiers: Orphanet 414, MedGen C0018425, MONDO:0009796, OMIM 258870.

Allele frequency attached by ClinVar (database versions not stated): gnomAD exomes below 0.00001.
gnomAD v4.1: 1 of 1,614,136 alleles (0.000062%); highest among the groups gnomAD compares: Non-Finnish European, 0.000085%; no homozygotes.

Submissions (3):

Baylor Genetics
Classification: Pathogenic for Ornithine aminotransferase deficiency. Last evaluated: 2023-01-17. Review status: criteria provided, single submitter. Criteria: ACMG Guidelines, 2015. Collection method: clinical testing. Allele origin: unknown.

Labcorp Genetics (formerly Invitae), Labcorp
Classification: Pathogenic for Ornithine aminotransferase deficiency. Last evaluated: 2021-01-16. Review status: criteria provided, single submitter. Criteria: Invitae Variant Classification Sherloc (09022015). Collection method: clinical testing. Allele origin: germline.
Comment: This sequence change creates a premature translational stop signal (p.Gly401*) in the OAT gene. While this is not anticipated to result in nonsense mediated decay, it is expected to disrupt the last 39 amino acid(s) of the OAT protein. This variant is not present in population databases (ExAC no frequency). This variant has been observed in individual(s) with gyrate atrophy (PMID: 1737786). ClinVar contains an entry for this variant (Variation ID: 173). This variant disrupts the C-terminus of the OAT protein. Other variant(s) that disrupt this region (p.Arg426*) have been determined to be pathogenic (PMID: 1609808, 24429551, 23076989). This suggests that variants that disrupt this region of the protein are likely to be causative of disease. For these reasons, this variant has been classified as Pathogenic.

OMIM
Classification: Pathogenic for GYRATE ATROPHY OF CHOROID AND RETINA. Last evaluated: 1992-06-01. Review status: no assertion criteria provided. Collection method: literature only. Allele origin: germline. Not counted in ClinVar's aggregate classification.

Literature cited by the submitters: PubMed 1737786 (cited by Labcorp Genetics (formerly Invitae), Labcorp); PubMed 1609808 (cited by Labcorp Genetics (formerly Invitae), Labcorp); PubMed 24429551 (cited by Labcorp Genetics (formerly Invitae), Labcorp); PubMed 23076989 (cited by Labcorp Genetics (formerly Invitae), Labcorp); PubMed 1612597 (cited by OMIM).

NM_000274.4(OAT):c.1201G>T (p.Gly401Ter)

Gene: OAT (ornithine aminotransferase; minus strand). Cytogenetic location: 10q26.13.
Variant type: single nucleotide variant.
Coding change: c.1201G>T on transcript NM_000274.4 (MANE Select); coding-DNA position 1201, G replaced by T.
Protein change: p.Gly401Ter; replaces glycine 401 with a stop codon.
Molecular consequence: nonsense.
Genome position (GRCh38, 1-based): chr10:124,398,061, C>A on the plus strand (G>T on the coding strand, the complement: OAT is on the minus strand). VCF-style: chr10-124398061-C-A. GRCh37 (hg19) VCF-style: chr10-126086630-C-A.
Other names: c.787G>T, p.Gly263Ter (NM_001171814.2); c.1201G>T, p.Gly401Ter (NM_001322965.2, NM_001322966.2, NM_001322967.2 and 3 more transcripts); c.880G>T, p.Gly294Ter (NM_001322971.2); c.601G>T, p.Gly201Ter (NM_001322974.2); short protein forms G401*, G263*, G294*, G201*.
Identifiers: ClinVar variation 173 (VCV000000173.9), dbSNP rs121965055, ClinGen allele CA113990.